The following is an entry in ClinVar:

NM_002386.4(MC1R):c.593C>T (p.Ala198Val)

Gene: MC1R (melanocortin 1 receptor; plus strand). Cytogenetic location: 16q24.3.
Variant type: single nucleotide variant.
Coding change: c.593C>T on transcript NM_002386.4 (MANE Select); coding-DNA position 593, C replaced by T.
Protein change: p.Ala198Val; replaces alanine 198 with valine.
Molecular consequence: missense variant.
Genome position (GRCh38, 1-based): chr16:89,919,851, C>T. VCF-style: chr16-89919851-C-T. GRCh37 (hg19) VCF-style: chr16-89986259-C-T.
Other names: short protein forms A198V.
Identifiers: ClinVar variation 1415361 (VCV001415361.8), dbSNP rs1437472612, ClinGen allele CA397462185.

ClinVar aggregate classification (germline): Uncertain significance (1 of 4 stars; one submission).

Conditions:
Melanoma, cutaneous malignant, susceptibility to, 5. Also called: Cutaneous malignant melanoma 5. Identifiers: Orphanet 618, MedGen C2751295, MONDO:0013133, OMIM 613099.

gnomAD v4.1: 1 of 1,606,486 alleles (0.000062%); no homozygotes.

Submission:

Labcorp Genetics (formerly Invitae), Labcorp
Classification: Uncertain significance for Melanoma, cutaneous malignant, susceptibility to, 5. Last evaluated: 2022-02-08. Review status: criteria provided, single submitter. Criteria: Invitae Variant Classification Sherloc (09022015). Collection method: clinical testing. Allele origin: germline.
Comment: This variant is not present in population databases (gnomAD no frequency). This sequence change replaces alanine, which is neutral and non-polar, with valine, which is neutral and non-polar, at codon 198 of the MC1R protein (p.Ala198Val). This variant has not been reported in the literature in individuals affected with MC1R-related conditions. Algorithms developed to predict the effect of missense changes on protein structure and function (SIFT, PolyPhen-2, Align-GVGD) all suggest that this variant is likely to be tolerated. In summary, the available evidence is currently insufficient to determine the role of this variant in disease. Therefore, it has been classified as a Variant of Uncertain Significance.